The following is an entry in ClinVar:

ClinVar aggregate classification (germline): Uncertain significance (1 of 4 stars; one submission).

Allele frequency attached by ClinVar (database versions not stated): gnomAD 0.00001; gnomAD exomes 0.00001.
gnomAD v4.1: 17 of 1,541,264 alleles (0.0011%); highest among the groups gnomAD compares: Admixed American, 0.0052%; no homozygotes.

Submission:

Labcorp Genetics (formerly Invitae), Labcorp
Classification: Uncertain significance. Last evaluated: 2022-08-08. Review status: criteria provided, single submitter. Criteria: Invitae Variant Classification Sherloc (09022015). Collection method: clinical testing. Allele origin: germline.
Comment: This variant occurs in a non-coding region of the EYS gene. It does not change the encoded amino acid sequence of the EYS protein. This variant is not present in population databases (gnomAD no frequency). This variant has not been reported in the literature in individuals affected with EYS-related conditions. Experimental studies and prediction algorithms are not available or were not evaluated, and the functional significance of this variant is currently unknown. In summary, the available evidence is currently insufficient to determine the role of this variant in disease. Therefore, it has been classified as a Variant of Uncertain Significance.

NM_001142800.2(EYS):c.-67G>A

Gene: EYS (eyes shut homolog; minus strand). Cytogenetic location: 6q12.
Variant type: single nucleotide variant.
Coding change: c.-67G>A on transcript NM_001142800.2 (MANE Select); 67 bases upstream of the start codon, G replaced by A.
Molecular consequence: 5 prime UTR variant.
Genome position (GRCh38, 1-based): chr6:65,495,477, C>T on the plus strand (G>A on the coding strand, the complement: EYS is on the minus strand). VCF-style: chr6-65495477-C-T. GRCh37 (hg19) VCF-style: chr6-66205370-C-T.
Other names: c.-67G>A (NM_001142801.2, NM_001292009.2, NM_198283.2).
Identifiers: ClinVar variation 2161942 (VCV002161942.1), dbSNP rs886950751, ClinGen allele CA140435001.